The following is an entry in ClinVar:

NM_019023.5(PRMT7):c.95G>C (p.Arg32Thr)

Gene: PRMT7 (protein arginine methyltransferase 7; plus strand). Cytogenetic location: 16q22.1.
Variant type: single nucleotide variant.
Coding change: c.95G>C on transcript NM_019023.5 (MANE Select); coding-DNA position 95, G replaced by C.
Protein change: p.Arg32Thr; replaces arginine 32 with threonine.
Molecular consequence: missense variant. On other transcripts: 5 prime UTR variant (3), non-coding transcript variant (12).
Genome position (GRCh38, 1-based): chr16:68,316,074, G>C. VCF-style: chr16-68316074-G-C. GRCh37 (hg19) VCF-style: chr16-68349977-G-C.
Other names: c.95G>C, p.Arg32Thr (NM_001184824.4, NM_001290018.2, NM_001351143.3 and 2 more transcripts); c.34G>C, p.Glu12Gln (NM_001378020.1); c.-106G>C (NM_001378021.1, NM_001378022.1, NM_001378023.1); short protein forms R32T, E12Q.
Identifiers: ClinVar variation 266022 (VCV000266022.5), dbSNP rs149170494, ClinGen allele CA10588948.

ClinVar aggregate classification (germline): Likely pathogenic. Review status: criteria provided, single submitter (1 of 4 stars). 2 submissions from 2 submitters: Likely pathogenic (1). 1 of the submissions does not count toward it. Last evaluated 2025-07-28.

Conditions:
Short stature-brachydactyly-obesity-global developmental delay syndrome. Also called: SHORT STATURE, BRACHYDACTYLY, IMPAIRED INTELLECTUAL DEVELOPMENT, AND SEIZURES; Short stature, brachydactyly, intellectual developmental disability, and seizures. Identifiers: Orphanet 464288, MedGen C4310689, MONDO:0014944, OMIM 617157.

Allele frequency attached by ClinVar (database versions not stated): ESP Exome Variant Server 0.00008; gnomAD 0.00002; gnomAD exomes 0.00001; TOPMed 0.00003.
gnomAD v4.1: 44 of 1,612,914 alleles (0.0027%); highest among the groups gnomAD compares: Non-Finnish European, 0.0036%; no homozygotes.

Submissions (2):

Victorian Clinical Genetics Services, Murdoch Childrens Research Institute
Classification: Likely pathogenic for Short stature-brachydactyly-obesity-global developmental delay syndrome. Last evaluated: 2025-07-28. Review status: criteria provided, single submitter. Criteria: ACMG Guidelines, 2015. Collection method: clinical testing. Allele origin: germline. Affected: yes.
Comment: This variant is classified as Likely pathogenic. Evidence in support of pathogenic classification: Variant is present in gnomAD <0.01 for a recessive condition (v4: 44 heterozygote(s), 0 homozygote(s)); This variant has moderate previous evidence of pathogenicity in unrelated individuals. This variant has been reported in the literature in two families with PRMT7-related disease in a compound heterozygous state, with authors suggesting that it may induce aberrant splicing, and in an additional compound heterozygous individual in DECIPHER (PMID: 26437029); This variant has limited evidence for segregation with disease. This variant has been reported in three affected siblings (PMID: 26437029); Abnormal splicing is predicted by in silico tool and affected nucleotide is highly conserved. In silico predictions for the amino acid substitution are inconclusive and conservation is uninformative. Additional information: Variant is predicted to result in a missense amino acid change from Arg to Thr, and affects the last nucleotide of exon 3; This variant is heterozygous; This gene is associated with autosomal recessive disease; Alternative amino acid change(s) at the same position are present in gnomAD (Highest alelle count: v4: 1 heterozygote(s), 0 homozygote(s)). - No published functional evidence has been identified for this variant; No comparable missense variants have previous evidence for pathogenicity; Variant is not located in an established domain, motif, hotspot or informative constraint region; Loss of function is a known mechanism of disease in this gene and is associated with short stature, brachydactyly, intellectual developmental disability, and seizures (MIM#617157); Inheritance information for this variant is not currently available in this individual.

OMIM
Classification: Pathogenic for SHORT STATURE, BRACHYDACTYLY, IMPAIRED INTELLECTUAL DEVELOPMENT, AND SEIZURES. Last evaluated: 2020-07-03. Review status: no assertion criteria provided. Collection method: literature only. Allele origin: germline. Not counted in ClinVar's aggregate classification.

Literature cited by the submitters: PubMed 26437029 (cited by Victorian Clinical Genetics Services, Murdoch Childrens Research Institute and OMIM).